The following is an entry in ClinVar:

ClinVar aggregate classification (germline): Uncertain significance (1 of 4 stars; one submission).

Submission:

CeGaT Center for Human Genetics Tuebingen
Classification: Uncertain significance. Last evaluated: 2026-06-01. Review status: criteria provided, single submitter. Criteria: CeGaT Center For Human Genetics Tuebingen Variant Classification Criteria Version 2. Collection method: clinical testing. Allele origin: germline. Affected: yes. Observed: 1 variant allele.
Comment: TANC2: PM2:Supporting, BP4

NM_001394998.1(TANC2):c.4347G>C (p.Leu1449=)

Gene: TANC2 (tetratricopeptide repeat, ankyrin repeat and coiled-coil containing 2; plus strand). Cytogenetic location: 17q23.3.
Variant type: single nucleotide variant.
Coding change: c.4347G>C on transcript NM_001394998.1 (MANE Select); coding-DNA position 4347, G replaced by C.
Protein change: p.Leu1449=; no amino-acid change (leucine 1449 retained).
Molecular consequence: synonymous variant.
Genome position (GRCh38, 1-based): chr17:63,420,077, G>C. VCF-style: chr17-63420077-G-C. GRCh37 (hg19) VCF-style: chr17-61497438-G-C.
Other names: c.4125G>C, p.Leu1375= (NM_001411076.1); c.4095G>C, p.Leu1365= (NM_025185.4).
Identifiers: ClinVar variation 4872873 (VCV004872873.2).